The following is an entry in ClinVar:

ClinVar aggregate classification (germline): Uncertain significance (1 of 4 stars; one submission).

Submission:

GeneDx
Classification: Uncertain significance. Last evaluated: 2024-11-15. Review status: criteria provided, single submitter. Criteria: GeneDx Variant Classification Process June 2021. Collection method: clinical testing. Allele origin: germline. Affected: yes.
Comment: Not observed at significant frequency in large population cohorts (gnomAD); In silico analysis supports that this missense variant has a deleterious effect on protein structure/function; Has not been previously published as pathogenic or benign to our knowledge

NM_006267.5(RANBP2):c.1436T>C (p.Ile479Thr)

Gene: RANBP2 (RAN binding protein 2; plus strand). Cytogenetic location: 2q13.
Variant type: single nucleotide variant.
Coding change: c.1436T>C on transcript NM_006267.5 (MANE Select); coding-DNA position 1436, T replaced by C.
Protein change: p.Ile479Thr; replaces isoleucine 479 with threonine.
Molecular consequence: missense variant.
Genome position (GRCh38, 1-based): chr2:108,751,426, T>C. VCF-style: chr2-108751426-T-C. GRCh37 (hg19) VCF-style: chr2-109367882-T-C.
Other names: c.1436T>C, p.Ile479Thr (NM_001415871.1, NM_001415873.1); c.1433T>C, p.Ile478Thr (NM_001415872.1); short protein forms I478T, I479T.
Identifiers: ClinVar variation 3899633 (VCV003899633.1).